The following is an entry in ClinVar:

NM_173471.4(SLC25A26):c.-353-217G>C

Gene: SLC25A26 (solute carrier family 25 member 26; plus strand). Cytogenetic location: 3p14.1.
Variant type: single nucleotide variant.
Coding change: c.-353-217G>C on transcript NM_173471.4; 217 bases into the intron before 353 bases upstream of the start codon, G replaced by C.
Molecular consequence: intron variant.
Genome position (GRCh38, 1-based): chr3:66,220,525, G>C. VCF-style: chr3-66220525-G-C. GRCh37 (hg19) VCF-style: chr3-66270951-G-C.
Identifiers: ClinVar variation 683875 (VCV000683875.3), dbSNP rs36162483, ClinGen allele CA76462376.
Genomic context (GRCh38, chr3:66,220,525, plus strand): 5'-AAATAATTTTAAATGCAGTAACTCTGTAAAGAGAAATGGAGGATGCTAATTTTTAACTCC[G>C]GTCAGGAAACTTCTGATGTATTTTTCTATATCTTTATTTAATAATCTTCTGATAATGAGT-3'

ClinVar aggregate classification (germline): Benign (1 of 4 stars; one submission).

Allele frequency attached by ClinVar (database versions not stated): gnomAD 0.81641; 1000 Genomes Project 30x 0.79216; 1000 Genomes Project 0.79393; TOPMed 0.81068.
gnomAD v4.1: 125,150 of 151,804 alleles (82%); highest among the groups gnomAD compares: Middle Eastern, 92%; 52,414 homozygotes.

Submission:

GeneDx
Classification: Benign. Last evaluated: 2018-06-14. Review status: criteria provided, single submitter. Criteria: GeneDx Variant Classification (06012015). Collection method: clinical testing. Allele origin: germline. Affected: yes.
Comment: This variant is considered likely benign or benign based on one or more of the following criteria: it is a conservative change, it occurs at a poorly conserved position in the protein, it is predicted to be benign by multiple in silico algorithms, and/or has population frequency not consistent with disease.